The following is an entry in ClinVar:

NM_001292063.2(OTOG):c.680T>C (p.Met227Thr)

Gene: OTOG (otogelin; plus strand). Cytogenetic location: 11p15.1.
Variant type: single nucleotide variant.
Coding change: c.680T>C on transcript NM_001292063.2 (MANE Select); coding-DNA position 680, T replaced by C.
Protein change: p.Met227Thr; replaces methionine 227 with threonine.
Molecular consequence: missense variant.
Genome position (GRCh38, 1-based): chr11:17,557,138, T>C. VCF-style: chr11-17557138-T-C. GRCh37 (hg19) VCF-style: chr11-17578685-T-C.
Other names: c.716T>C (NM_001277269.1); c.716T>C, p.Met239Thr (NM_001277269.2); short protein forms M227T, M239T.
Identifiers: ClinVar variation 1522841 (VCV001522841.7), dbSNP rs756107368, ClinGen allele CA218493730.

ClinVar aggregate classification (germline): Uncertain significance. Review status: criteria provided, multiple submitters, no conflicts (2 of 4 stars). 3 submissions from 3 submitters: Uncertain significance (3). Last evaluated 2025-10-09.

Conditions:
OTOG-related disorder. Also called: OTOG-related condition.

Allele frequency attached by ClinVar (database versions not stated): gnomAD exomes 0.00004; gnomAD 0.00007 and 0.00008; TOPMed 0.00010.
gnomAD v4.1: 330 of 1,550,176 alleles (0.021%); highest among the groups gnomAD compares: Non-Finnish European, 0.028%; no homozygotes.

Submissions (3):

PreventionGenetics, part of Exact Sciences
Classification: Uncertain significance for OTOG-related condition. Last evaluated: 2025-10-09. Review status: criteria provided, single submitter. Criteria: ACMG Guidelines, 2015. Collection method: clinical testing. Allele origin: germline.
Comment: The OTOG c.716T>C variant is predicted to result in the amino acid substitution p.Met239Thr. To our knowledge, this variant has not been reported in the literature. This variant is reported in 0.0099% of alleles in individuals of European (Non-Finnish) descent in gnomAD. At this time, the clinical significance of this variant is uncertain due to the absence of conclusive functional and genetic evidence.

GeneDx
Classification: Uncertain significance. Last evaluated: 2024-07-03. Review status: criteria provided, single submitter. Criteria: GeneDx Variant Classification Process June 2021. Collection method: clinical testing. Allele origin: germline. Affected: yes.
Comment: In silico analysis indicates that this missense variant does not alter protein structure/function; Has not been previously published as pathogenic or benign to our knowledge

Labcorp Genetics (formerly Invitae), Labcorp
Classification: Uncertain significance. Last evaluated: 2022-03-10. Review status: criteria provided, single submitter. Criteria: Invitae Variant Classification Sherloc (09022015). Collection method: clinical testing. Allele origin: germline.
Comment: This sequence change replaces methionine, which is neutral and non-polar, with threonine, which is neutral and polar, at codon 239 of the OTOG protein (p.Met239Thr). This variant is present in population databases (rs756107368, gnomAD 0.01%). This variant has not been reported in the literature in individuals affected with OTOG-related conditions. Algorithms developed to predict the effect of missense changes on protein structure and function output the following: SIFT: "Deleterious"; PolyPhen-2: "Benign"; Align-GVGD: "Class C0". The threonine amino acid residue is found in multiple mammalian species, which suggests that this missense change does not adversely affect protein function. In summary, the available evidence is currently insufficient to determine the role of this variant in disease. Therefore, it has been classified as a Variant of Uncertain Significance.